The following is an entry in ClinVar:

ClinVar aggregate classification (germline): Likely benign. Review status: criteria provided, multiple submitters, no conflicts (2 of 4 stars). 3 submissions from 3 submitters: Likely benign (3). Last evaluated 2025-07-02.

Allele frequency attached by ClinVar (database versions not stated): gnomAD 0.00001; gnomAD exomes 0.00001 and 0.00002; TOPMed 0.00001; ExAC 0.00002; 1000 Genomes Project 30x 0.00016; 1000 Genomes Project 0.00020.
gnomAD v4.1: 21 of 1,614,134 alleles (0.0013%); highest among the groups gnomAD compares: East Asian, 0.013%; no homozygotes.

Submissions (3):

Women's Health and Genetics/Laboratory Corporation of America, LabCorp
Classification: Likely benign. Last evaluated: 2025-07-02. Review status: criteria provided, single submitter. Criteria: LabCorp Variant Classification Summary - May 2015. Collection method: clinical testing. Allele origin: germline.
Comment: Variant summary: COL4A1 c.3198+17G>A alters a non-conserved nucleotide located at a position not widely known to affect splicing. Consensus agreement among computation tools predict no significant impact on normal splicing. However, these predictions have yet to be confirmed by functional studies. The variant allele was found at a frequency of 2e-05 in 251118 control chromosomes. The available data on variant occurrences in the general population are insufficient to allow any conclusion about variant significance. To our knowledge, no occurrence of c.3198+17G>A in individuals affected with Porencephaly 1 and no experimental evidence demonstrating its impact on protein function have been reported. ClinVar contains an entry for this variant (Variation ID: 1536077). Based on the evidence outlined above, the variant was classified as likely benign.

Labcorp Genetics (formerly Invitae), Labcorp
Classification: Likely benign. Last evaluated: 2025-02-23. Review status: criteria provided, single submitter. Criteria: Invitae Variant Classification Sherloc (09022015). Collection method: clinical testing. Allele origin: germline.

Blueprint Genetics
Classification: Likely benign. Last evaluated: 2024-09-17. Review status: criteria provided, single submitter. Criteria: ACMG Guidelines, 2015. Collection method: clinical testing. Allele origin: germline.

NM_001845.6(COL4A1):c.3198+17G>A

Gene: COL4A1 (collagen type IV alpha 1 chain; minus strand). Cytogenetic location: 13q34.
Variant type: single nucleotide variant.
Coding change: c.3198+17G>A on transcript NM_001845.6 (MANE Select); 17 bases into the intron after coding-DNA position 3198, G replaced by A.
Molecular consequence: intron variant.
Genome position (GRCh38, 1-based): chr13:110,175,201, C>T on the plus strand (G>A on the coding strand, the complement: COL4A1 is on the minus strand). VCF-style: chr13-110175201-C-T. GRCh37 (hg19) VCF-style: chr13-110827548-C-T.
Identifiers: ClinVar variation 1536077 (VCV001536077.11), dbSNP rs191628245, ClinGen allele CA7047355.